The following is an entry in ClinVar:

ClinVar aggregate classification (germline): Uncertain significance (1 of 4 stars; one submission).

gnomAD v4.1: 1 of 1,612,734 alleles (0.000062%); highest among the groups gnomAD compares: African/African-American, 0.0013%; no homozygotes.

Submission:

Ambry Genetics
Classification: Uncertain significance. Last evaluated: 2025-01-27. Review status: criteria provided, single submitter. Criteria: Ambry Variant Classification Scheme 2023. Collection method: clinical testing. Allele origin: germline.
Comment: The p.G284R variant (also known as c.850G>A), located in coding exon 8 of the A2ML1 gene, results from a G to A substitution at nucleotide position 850. The glycine at codon 284 is replaced by arginine, an amino acid with dissimilar properties. This amino acid position is conserved. In addition, this alteration is predicted to be tolerated by in silico analysis. Based on the available evidence, the clinical significance of this variant remains unclear.

NM_144670.6(A2ML1):c.850G>A (p.Gly284Arg)

Gene: A2ML1 (alpha-2-macroglobulin like 1; plus strand). Cytogenetic location: 12p13.31.
Variant type: single nucleotide variant.
Coding change: c.850G>A on transcript NM_144670.6 (MANE Select); coding-DNA position 850, G replaced by A.
Protein change: p.Gly284Arg; replaces glycine 284 with arginine.
Molecular consequence: missense variant.
Genome position (GRCh38, 1-based): chr12:8,837,561, G>A. VCF-style: chr12-8837561-G-A. GRCh37 (hg19) VCF-style: chr12-8990157-G-A.
Other names: short protein forms G284R.
Identifiers: ClinVar variation 3845779 (VCV003845779.1).
Genomic context (GRCh38, chr12:8,837,561, plus strand): 5'-ACTTACTGGTATCGAGAGGTGGAACGGGAACAGCTTCCTGACAAATGCAGGAACCTCTCT[G>A]GACAGGTGAGTAAATGACAGGTTAAAAAGGAACCTATCGGCCAGGCACGGTGGCTCACGC-3'
Protein context (NP_653271.3, residues 274-294): QLPDKCRNLS[Gly284Arg]QTDKTGCFSA